The following is an entry in ClinVar:

NM_017780.4(CHD7):c.2968A>G (p.Ile990Val)

Gene: CHD7 (chromodomain helicase DNA binding protein 7; plus strand). Cytogenetic location: 8q12.2.
Variant type: single nucleotide variant.
Coding change: c.2968A>G on transcript NM_017780.4 (MANE Select); coding-DNA position 2968, A replaced by G.
Protein change: p.Ile990Val; replaces isoleucine 990 with valine.
Molecular consequence: missense variant. On other transcripts: intron variant (1).
Genome position (GRCh38, 1-based): chr8:60,822,513, A>G. VCF-style: chr8-60822513-A-G. GRCh37 (hg19) VCF-style: chr8-61735072-A-G.
Other names: c.1717-39716A>G (NM_001316690.1); short protein forms I990V.
Identifiers: ClinVar variation 1309662 (VCV001309662.2), dbSNP rs774245379, ClinGen allele CA4759875.

ClinVar aggregate classification (germline): Uncertain significance (1 of 4 stars; one submission).

Allele frequency attached by ClinVar (database versions not stated): gnomAD exomes below 0.00001; ExAC 0.00001.
gnomAD v4.1: 1 of 1,613,372 alleles (0.000062%); highest among the groups gnomAD compares: Non-Finnish European, 0.000085%; no homozygotes.

Submission:

GeneDx
Classification: Uncertain significance. Last evaluated: 2019-10-29. Review status: criteria provided, single submitter. Criteria: GeneDx Variant Classification Process June 2021. Collection method: clinical testing. Allele origin: germline. Affected: yes.
Comment: Not observed at a significant frequency in large population cohorts (Lek et al., 2016); In silico analysis, which includes protein predictors and evolutionary conservation, supports that this variant does not alter protein structure/function; Has not been previously published as pathogenic or benign to our knowledge